The following is an entry in ClinVar:

ClinVar aggregate classification (germline): Uncertain significance. Review status: criteria provided, multiple submitters, no conflicts (2 of 4 stars). 4 submissions from 4 submitters: Uncertain significance (4). Last evaluated 2025-02-01.

Conditions:
Inborn genetic diseases. Identifiers: MedGen C0950123, MeSH D030342.
Baller-Gerold syndrome (BGS). Also called: CRANIOSYNOSTOSIS WITH RADIAL DEFECTS. Identifiers: Orphanet 1225, MedGen C0265308, MONDO:0009039, OMIM 218600.

Allele frequency attached by ClinVar (database versions not stated): gnomAD 0.00001; TOPMed 0.00001; gnomAD exomes 0.00004; ExAC 0.00005.

Submissions (4):

Ambry Genetics
Classification: Uncertain significance for Inborn genetic diseases. Last evaluated: 2025-02-01. Review status: criteria provided, single submitter. Criteria: Ambry Variant Classification Scheme 2023. Collection method: clinical testing. Allele origin: germline.

GeneDx
Classification: Uncertain significance. Last evaluated: 2024-08-20. Review status: criteria provided, single submitter. Criteria: GeneDx Variant Classification Process June 2021. Collection method: clinical testing. Allele origin: germline. Affected: yes.
Comment: In silico analysis indicates that this missense variant does not alter protein structure/function; Has not been previously published as pathogenic or benign to our knowledge

Labcorp Genetics (formerly Invitae), Labcorp
Classification: Uncertain significance for Baller-Gerold syndrome. Last evaluated: 2023-10-29. Review status: criteria provided, single submitter. Criteria: Invitae Variant Classification Sherloc (09022015). Collection method: clinical testing. Allele origin: germline.
Comment: This sequence change replaces proline, which is neutral and non-polar, with serine, which is neutral and polar, at codon 149 of the RECQL4 protein (p.Pro149Ser). This variant is present in population databases (rs766844431, gnomAD 0.006%). This variant has not been reported in the literature in individuals affected with RECQL4-related conditions. ClinVar contains an entry for this variant (Variation ID: 406943). Advanced modeling of protein sequence and biophysical properties (such as structural, functional, and spatial information, amino acid conservation, physicochemical variation, residue mobility, and thermodynamic stability) performed at Invitae indicates that this missense variant is not expected to disrupt RECQL4 protein function with a negative predictive value of 80%. In summary, the available evidence is currently insufficient to determine the role of this variant in disease. Therefore, it has been classified as a Variant of Uncertain Significance.

Breakthrough Genomics
Classification: Uncertain significance. Review status: criteria provided, single submitter. Criteria: ACMG Guidelines, 2015. Collection method: not provided. Allele origin: germline. Inheritance: Autosomal recessive inheritance. Affected: yes.

NM_004260.4(RECQL4):c.445C>T (p.Pro149Ser)

Gene: RECQL4 (RecQ like helicase 4; minus strand). Cytogenetic location: 8q24.3.
Variant type: single nucleotide variant.
Coding change: c.445C>T on transcript NM_004260.4 (MANE Select); coding-DNA position 445, C replaced by T.
Protein change: p.Pro149Ser; replaces proline 149 with serine.
Molecular consequence: missense variant.
Genome position (GRCh38, 1-based): chr8:144,516,674, G>A on the plus strand (C>T on the coding strand, the complement: RECQL4 is on the minus strand). VCF-style: chr8-144516674-G-A. GRCh37 (hg19) VCF-style: chr8-145742058-G-A.
Other names: short protein forms P149S.
Identifiers: ClinVar variation 406943 (VCV000406943.10), dbSNP rs766844431, ClinGen allele CA4949291.